The following is an entry in ClinVar:

ClinVar aggregate classification (germline): Uncertain significance (1 of 4 stars; one submission).

gnomAD v4.1: 1 of 1,603,734 alleles (0.000062%); highest among the groups gnomAD compares: Non-Finnish European, 0.000085%; no homozygotes.

Submission:

GeneDx
Classification: Uncertain significance. Last evaluated: 2024-04-14. Review status: criteria provided, single submitter. Criteria: GeneDx Variant Classification Process June 2021. Collection method: clinical testing. Allele origin: germline. Affected: yes.
Comment: Not observed at significant frequency in large population cohorts (gnomAD); In silico analysis indicates that this missense variant does not alter protein structure/function; Has not been previously published as pathogenic or benign to our knowledge

NM_013450.4(BAZ2B):c.6090C>A (p.Asn2030Lys)

Gene: BAZ2B (bromodomain adjacent to zinc finger domain 2B; minus strand). Cytogenetic location: 2q24.2.
Variant type: single nucleotide variant.
Coding change: c.6090C>A on transcript NM_013450.4 (MANE Select); coding-DNA position 6090, C replaced by A.
Protein change: p.Asn2030Lys; replaces asparagine 2030 with lysine.
Molecular consequence: missense variant.
Genome position (GRCh38, 1-based): chr2:159,325,772, G>T on the plus strand (C>A on the coding strand, the complement: BAZ2B is on the minus strand). VCF-style: chr2-159325772-G-T. GRCh37 (hg19) VCF-style: chr2-160182283-G-T.
Other names: c.5982C>A, p.Asn1994Lys (NM_001289975.1); c.6033C>A, p.Asn2011Lys (NM_001329857.2); c.6015C>A, p.Asn2005Lys (NM_001329858.2); short protein forms N1994K, N2005K, N2011K, N2030K.
Identifiers: ClinVar variation 3372193 (VCV003372193.1).